The following is an entry in ClinVar:

NM_000719.7(CACNA1C):c.5254A>G (p.Thr1752Ala)

Genes: CACNA1C (calcium voltage-gated channel subunit alpha1 C; plus strand), CACNA1C-AS1 (CACNA1C antisense RNA 1; minus strand). Cytogenetic location: 12p13.33.
Variant type: single nucleotide variant.
Coding change: c.5254A>G on transcript NM_000719.7 (MANE Select); coding-DNA position 5254, A replaced by G.
Protein change: p.Thr1752Ala; replaces threonine 1752 with alanine.
Molecular consequence: missense variant.
Genome position (GRCh38, 1-based): chr12:2,679,606, A>G. VCF-style: chr12-2679606-A-G. GRCh37 (hg19) VCF-style: chr12-2788772-A-G.
Other names: c.5398A>G, p.Thr1800Ala (NM_001129827.2, NM_199460.4); c.5377A>G, p.Thr1793Ala (NM_001129829.2); c.5254A>G, p.Thr1752Ala (NM_001129830.3, NM_001129840.2, NM_001129841.2 and 4 more transcripts); c.5338A>G, p.Thr1780Ala (NM_001129831.2); c.5314A>G, p.Thr1772Ala (NM_001129832.2); c.5311A>G, p.Thr1771Ala (NM_001129833.2, NM_001129834.2, NM_001129835.2); c.5305A>G, p.Thr1769Ala (NM_001129836.2); c.5278A>G, p.Thr1760Ala (NM_001129837.2, NM_001129838.2); and 3 more; short protein forms T1741A, T1749A, T1772A, T1793A, T1752A, T1769A, T1758A, T1760A.
Identifiers: ClinVar variation 936387 (VCV000936387.10), dbSNP rs1603450773, ClinGen allele CA383378825.

ClinVar aggregate classification (germline): Uncertain significance (1 of 4 stars; one submission).

Conditions:
Long QT syndrome (LQTS). Identifiers: MedGen C0023976, MeSH D008133, MONDO:0002442. Disease mechanism: loss of function. Inheritance: Various modes of inheritance.

Submission:

Labcorp Genetics (formerly Invitae), Labcorp
Classification: Uncertain significance for Long QT syndrome. Last evaluated: 2022-10-13. Review status: criteria provided, single submitter. Criteria: Invitae Variant Classification Sherloc (09022015). Collection method: clinical testing. Allele origin: germline.
Comment: In summary, the available evidence is currently insufficient to determine the role of this variant in disease. Therefore, it has been classified as a Variant of Uncertain Significance. Advanced modeling of protein sequence and biophysical properties (such as structural, functional, and spatial information, amino acid conservation, physicochemical variation, residue mobility, and thermodynamic stability) performed at Invitae indicates that this missense variant is not expected to disrupt CACNA1C protein function. ClinVar contains an entry for this variant (Variation ID: 936387). This variant has not been reported in the literature in individuals affected with CACNA1C-related conditions. This variant is not present in population databases (gnomAD no frequency). This sequence change replaces threonine, which is neutral and polar, with alanine, which is neutral and non-polar, at codon 1752 of the CACNA1C protein (p.Thr1752Ala).